The following is an entry in ClinVar:

ClinVar aggregate classification (germline): Conflicting classifications of pathogenicity. Review status: criteria provided, conflicting classifications (1 of 4 stars). 4 submissions from 4 submitters: Uncertain significance (1); Likely benign (2). 1 of the submissions does not count toward it. Last evaluated 2025-11-20.

Conditions:
CAPN12-related disorder. Also called: CAPN12-related condition.

Allele frequency attached by ClinVar (database versions not stated): ESP Exome Variant Server 0.00200; 1000 Genomes Project 0.00220; 1000 Genomes Project 30x 0.00312; TOPMed 0.00191.

Submissions (4):

Ambry Genetics
Classification: Uncertain significance. Last evaluated: 2025-11-20. Review status: criteria provided, single submitter. Criteria: Ambry Variant Classification Scheme 2023. Collection method: clinical testing. Allele origin: germline.

Labcorp Genetics (formerly Invitae), Labcorp
Classification: Likely benign. Last evaluated: 2018-07-16. Review status: criteria provided, single submitter. Criteria: Invitae Variant Classification Sherloc (09022015). Collection method: clinical testing. Allele origin: germline.

Breakthrough Genomics
Classification: Likely benign. Review status: criteria provided, single submitter. Criteria: ACMG Guidelines, 2015. Collection method: not provided. Allele origin: germline. Inheritance: Unknown mechanism. Affected: yes.

PreventionGenetics, part of Exact Sciences
Classification: Likely benign for CAPN12-related condition. Last evaluated: 2019-06-14. Review status: no assertion criteria provided. Collection method: clinical testing. Allele origin: germline. Not counted in ClinVar's aggregate classification.
Comment: This variant is classified as likely benign based on ACMG/AMP sequence variant interpretation guidelines (Richards et al. 2015 PMID: 25741868, with internal and published modifications).

NM_144691.4(CAPN12):c.83G>A (p.Arg28Gln)

Gene: CAPN12 (calpain 12; minus strand). Cytogenetic location: 19q13.2.
Variant type: single nucleotide variant.
Coding change: c.83G>A on transcript NM_144691.4 (MANE Select); coding-DNA position 83, G replaced by A.
Protein change: p.Arg28Gln; replaces arginine 28 with glutamine.
Molecular consequence: missense variant.
Genome position (GRCh38, 1-based): chr19:38,744,083, C>T on the plus strand (G>A on the coding strand, the complement: CAPN12 is on the minus strand). VCF-style: chr19-38744083-C-T. GRCh37 (hg19) VCF-style: chr19-39234723-C-T.
Other names: c.83G>A (NM_144691.3); short protein forms R28Q.
Identifiers: ClinVar variation 732600 (VCV000732600.7), dbSNP rs112433506, ClinGen allele CA9419353.